The following is an entry in ClinVar:

ClinVar aggregate classification (germline): Pathogenic. Review status: criteria provided, multiple submitters, no conflicts (2 of 4 stars). 9 submissions from 8 submitters: Pathogenic (7). 2 of the submissions do not count toward it. Last evaluated 2026-06-01.

Conditions:
SCO2-related disorder. Also called: SCO2-related condition.
Cardioencephalomyopathy, fatal infantile, due to cytochrome c oxidase deficiency 1 (MC4DN2). Also called: MITOCHONDRIAL COMPLEX IV DEFICIENCY, NUCLEAR TYPE 2; CYTOCHROME c OXIDASE DEFICIENCY, FATAL INFANTILE, WITH CARDIOENCEPHALOMYOPATHY. Identifiers: Orphanet 1561, MedGen C5399977, MONDO:0011451, OMIM 604377.
Myopia 6 (MYP6). Identifiers: MedGen C1837148, MONDO:0012154, OMIM 608908.

Allele frequency attached by ClinVar (database versions not stated): TOPMed 0.00002; gnomAD 0.00003 and 0.00004; gnomAD exomes 0.00004 and 0.00008; ExAC 0.00006.
gnomAD v4.1: 65 of 1,605,268 alleles (0.004%); highest among the groups gnomAD compares: Admixed American, 0.0017%; no homozygotes.

Submissions (9):

Women's Health and Genetics/Laboratory Corporation of America, LabCorp
Classification: Pathogenic for Cardioencephalomyopathy, fatal infantile, due to cytochrome c oxidase deficiency 1. Last evaluated: 2026-06-01. Review status: criteria provided, single submitter. Criteria: LabCorp Variant Classification Summary - May 2015. Collection method: clinical testing. Allele origin: germline.
Comment: Variant summary: SCO2 c.157C>T (p.Gln53X) results in a premature termination codon, predicted to cause a truncation of the encoded protein but is not expected to result in nonsense mediated decay. The variant allele was found at a frequency of 8.4e-05 in 238222 control chromosomes (gnomAD). This frequency is not significantly higher than estimated for disease-causing variants in SCO2, allowing no conclusion about variant significance. c.157C>T has been observed in individuals affected with Cardioencephalomyopathy, fatal infantile, due to cytochrome c oxidase deficiency 1 (e.g. Papadopoulou_1999, Tay_2004, Pronicki_2010). These data indicate that the variant is likely to be associated with disease. The following publications have been ascertained in the context of this evaluation (PMID: 10545952, 15210538, 19879173). ClinVar contains an entry for this variant (Variation ID: 5678). Based on the evidence outlined above, the variant was classified as pathogenic.

Labcorp Genetics (formerly Invitae), Labcorp
Classification: Pathogenic. Last evaluated: 2025-12-23. Review status: criteria provided, single submitter. Criteria: Invitae Variant Classification Sherloc (09022015). Collection method: clinical testing. Allele origin: germline.
Comment: This sequence change creates a premature translational stop signal (p.Gln53*) in the SCO2 gene. While this is not anticipated to result in nonsense mediated decay, it is expected to disrupt the last 214 amino acid(s) of the SCO2 protein. This variant is present in population databases (rs74315510, gnomAD 0.2%). This premature translational stop signal has been observed in individual(s) with cardioencephalomyopathy (PMID: 10545952, 15210538, 19879173). In at least one individual the data is consistent with being in trans (on the opposite chromosome) from a pathogenic variant. This variant is also known as c.1280C>T. ClinVar contains an entry for this variant (Variation ID: 5678). For these reasons, this variant has been classified as Pathogenic.

Baylor Genetics
Classification: Pathogenic for Cardioencephalomyopathy, fatal infantile, due to cytochrome c oxidase deficiency 1. Last evaluated: 2024-03-18. Review status: criteria provided, single submitter. Criteria: ACMG Guidelines, 2015. Collection method: clinical testing. Allele origin: unknown.

Fulgent Genetics
Classification: Pathogenic for Cardioencephalomyopathy, fatal infantile, due to cytochrome c oxidase deficiency 1; Myopia 6. Last evaluated: 2024-02-20. Review status: criteria provided, single submitter. Criteria: ACMG Guidelines, 2015. Collection method: clinical testing. Allele origin: germline.

GeneDx
Classification: Pathogenic. Last evaluated: 2024-01-23. Review status: criteria provided, single submitter. Criteria: GeneDx Variant Classification Process June 2021. Collection method: clinical testing. Allele origin: germline. Affected: yes.
Comment: Nonsense variant predicted to result in protein truncation, as the last 214 amino acids are lost, and other loss-of-function variants have been reported downstream in HGMD; This variant is associated with the following publications: (PMID: 10545952, 15210538, 25333069, 28442722, 34703653, 30531895, 19879173, 26427993, 35753512, 23643385)

Department of Pathology and Laboratory Medicine, Sinai Health System
Classification: Pathogenic for Myopia 6; Cardioencephalomyopathy, fatal infantile, due to cytochrome c oxidase deficiency 1. Last evaluated: 2023-01-12. Review status: criteria provided, single submitter. Criteria: ACMG Guidelines, 2015. Collection method: research. Allele origin: germline.

Blueprint Genetics
Classification: Pathogenic for SCO2-related disorders. Last evaluated: 2021-10-29. Review status: criteria provided, single submitter. Criteria: ACMG Guidelines, 2015. Collection method: clinical testing. Allele origin: germline. Affected: yes. Observed: 3 variant alleles.

OMIM
Classification: Pathogenic for MITOCHONDRIAL COMPLEX IV DEFICIENCY, NUCLEAR TYPE 2. Last evaluated: 2013-05-02. Review status: no assertion criteria provided. Collection method: literature only. Allele origin: germline. Not counted in ClinVar's aggregate classification.

OMIM
Classification: Pathogenic for MYOPIA 6. Last evaluated: 2013-05-02. Review status: no assertion criteria provided. Collection method: literature only. Allele origin: germline. Not counted in ClinVar's aggregate classification.

Literature cited by the submitters: PubMed 10545952 (cited by 3 submitters); PubMed 19879173 (cited by Women's Health and Genetics/Laboratory Corporation of America, LabCorp and Labcorp Genetics (formerly Invitae), Labcorp); PubMed 15210538 (cited by Women's Health and Genetics/Laboratory Corporation of America, LabCorp and Labcorp Genetics (formerly Invitae), Labcorp); PubMed 23643385 (cited by OMIM).

NM_005138.3(SCO2):c.157C>T (p.Gln53Ter)

Genes: NCAPH2 (non-SMC condensin II complex subunit H2; plus strand), SCO2 (synthesis of cytochrome C oxidase 2; minus strand). Cytogenetic location: 22q13.33.
Variant type: single nucleotide variant.
Coding change: c.157C>T on transcript NM_005138.3 (MANE Select); coding-DNA position 157, C replaced by T.
Protein change: p.Gln53Ter; replaces glutamine 53 with a stop codon.
Molecular consequence: nonsense. On other transcripts: 3 prime UTR variant (2).
Genome position (GRCh38, 1-based): chr22:50,524,255, G>A on the plus strand (C>T on the coding strand, the complement: SCO2 is on the minus strand). VCF-style: chr22-50524255-G-A. GRCh37 (hg19) VCF-style: chr22-50962684-G-A.
Other names: SCO2, GLN53TER (rs74315510); c.*880G>A (NM_001185011.2, NM_152299.4); c.157C>T, p.Gln53Ter (NM_001169109.2, NM_001169110.1, NM_001169111.2); short protein forms Q53*.
Identifiers: ClinVar variation 5678 (VCV000005678.18), dbSNP rs74315510, ClinGen allele CA117673.